The following is an entry in ClinVar:

NM_001123385.2(BCOR):c.1791C>T (p.His597=)

Gene: BCOR (BCL6 corepressor; minus strand). Cytogenetic location: Xp11.4.
Variant type: single nucleotide variant.
Coding change: c.1791C>T on transcript NM_001123385.2 (MANE Select); coding-DNA position 1791, C replaced by T.
Protein change: p.His597=; no amino-acid change (histidine 597 retained).
Molecular consequence: synonymous variant.
Genome position (GRCh38, 1-based): chrX:40,073,555, G>A on the plus strand (C>T on the coding strand, the complement: BCOR is on the minus strand). VCF-style: chrX-40073555-G-A. GRCh37 (hg19) VCF-style: chrX-39932808-G-A.
Other names: c.1791C>T, p.His597= (NM_001123383.2, NM_001123384.2, NM_017745.6).
Identifiers: ClinVar variation 95767 (VCV000095767.24), dbSNP rs144606152, ClinGen allele CA148831.

ClinVar aggregate classification (germline): Benign/Likely benign. Review status: criteria provided, multiple submitters, no conflicts (2 of 4 stars). 7 submissions from 7 submitters: Benign (6); Likely benign (1). Last evaluated 2026-02-02.

Conditions:
Oculofaciocardiodental syndrome (MCOPS2). Identifiers: Orphanet 2712, MedGen C1846265, MONDO:0010261, OMIM 300166.
History of neurodevelopmental disorder. Identifiers: MedGen C2711754.

Allele frequency attached by ClinVar (database versions not stated): 1000 Genomes Project 0.01669; 1000 Genomes Project 30x 0.01707; TOPMed 0.02942; gnomAD 0.03180 and 0.03194; ExAC 0.03450; gnomAD exomes 0.03450 and 0.04487; ESP Exome Variant Server 0.03731.
gnomAD v4.1: 52,764 of 1,211,156 alleles (4.4%); highest among the groups gnomAD compares: Middle Eastern, 6.1%; 977 homozygotes.

Submissions (7):

Labcorp Genetics (formerly Invitae), Labcorp
Classification: Benign for Oculofaciocardiodental syndrome. Last evaluated: 2026-02-02. Review status: criteria provided, single submitter. Criteria: Invitae Variant Classification Sherloc (09022015). Collection method: clinical testing. Allele origin: germline.

Blueprint Genetics
Classification: Likely benign. Last evaluated: 2024-11-28. Review status: criteria provided, single submitter. Criteria: ACMG Guidelines, 2015. Collection method: clinical testing. Allele origin: germline.

GeneDx
Classification: Benign. Last evaluated: 2018-05-01. Review status: criteria provided, single submitter. Criteria: GeneDx Variant Classification (06012015). Collection method: clinical testing. Allele origin: germline. Affected: yes.
Comment: This variant is considered likely benign or benign based on one or more of the following criteria: it is a conservative change, it occurs at a poorly conserved position in the protein, it is predicted to be benign by multiple in silico algorithms, and/or has population frequency not consistent with disease.

Eurofins Ntd Llc (ga)
Classification: Benign. Last evaluated: 2013-11-13. Review status: criteria provided, single submitter. Criteria: EGL Classification Definitions 2015. Collection method: clinical testing. Allele origin: germline. Observed: 5 variant alleles, 2 heterozygotes, 3 hemizygotes.

Genetic Services Laboratory, University of Chicago
Classification: Benign for AllHighlyPenetrant. Last evaluated: 2013-01-31. Review status: criteria provided, single submitter. Criteria: ACMG Guidelines, 2007. Collection method: clinical testing. Allele origin: germline. Inheritance: X-linked inheritance.

Ambry Genetics
Classification: Benign for History of neurodevelopmental disorder. Last evaluated: 2013-01-09. Review status: criteria provided, single submitter. Criteria: Ambry Autosomal Dominant and X-Linked criteria (10/2015). Collection method: clinical testing. Allele origin: germline. Observed: 1 variant allele.
Comment: General population or subpopulation frequency is too high to be a pathogenic mutation based on disease/syndrome prevalence and penetrance

Breakthrough Genomics
Classification: Benign. Review status: criteria provided, single submitter. Criteria: ACMG Guidelines, 2015. Collection method: not provided. Allele origin: germline. Inheritance: X-linked inheritance. Affected: yes.